The following is an entry in ClinVar:

NM_153816.6(SNX14):c.695T>C (p.Val232Ala)

Gene: SNX14 (sorting nexin 14; minus strand). Cytogenetic location: 6q14.3.
Variant type: single nucleotide variant.
Coding change: c.695T>C on transcript NM_153816.6 (MANE Select); coding-DNA position 695, T replaced by C.
Protein change: p.Val232Ala; replaces valine 232 with alanine.
Molecular consequence: missense variant. On other transcripts: 5 prime UTR variant (7), non-coding transcript variant (6), intron variant (2).
Genome position (GRCh38, 1-based): chr6:85,549,819, A>G on the plus strand (T>C on the coding strand, the complement: SNX14 is on the minus strand). VCF-style: chr6-85549819-A-G. GRCh37 (hg19) VCF-style: chr6-86259537-A-G.
Other names: c.563T>C, p.Val188Ala (NM_001350536.2, NM_020468.6); c.560T>C, p.Val187Ala (NM_001350537.2); c.536T>C, p.Val179Ala (NM_001350539.2); c.695T>C, p.Val232Ala (NM_001350540.2, NM_001350541.2, NM_001297614.3); c.407T>C, p.Val136Ala (NM_001350542.2); c.404T>C, p.Val135Ala (NM_001350543.2); c.251T>C, p.Val84Ala (NM_001350545.2, NM_001350546.2); c.-356T>C (NM_001350547.2); and 7 more; short protein forms V187A, V136A, V180A, V188A, V84A, V135A, V253A, V179A.
Identifiers: ClinVar variation 2102080 (VCV002102080.4), dbSNP rs2536098402, ClinGen allele CA364898643.

ClinVar aggregate classification (germline): Uncertain significance (1 of 4 stars; one submission).

Allele frequency attached by ClinVar (database versions not stated): gnomAD exomes below 0.00001.
gnomAD v4.1: 1 of 1,614,062 alleles (0.000062%); highest among the groups gnomAD compares: Non-Finnish European, 0.000085%; no homozygotes.

Submission:

Labcorp Genetics (formerly Invitae), Labcorp
Classification: Uncertain significance. Last evaluated: 2023-08-10. Review status: criteria provided, single submitter. Criteria: Invitae Variant Classification Sherloc (09022015). Collection method: clinical testing. Allele origin: germline.
Comment: This sequence change replaces valine, which is neutral and non-polar, with alanine, which is neutral and non-polar, at codon 232 of the SNX14 protein (p.Val232Ala). This variant is not present in population databases (gnomAD no frequency). This variant has not been reported in the literature in individuals affected with SNX14-related conditions. In summary, the available evidence is currently insufficient to determine the role of this variant in disease. Therefore, it has been classified as a Variant of Uncertain Significance. Advanced modeling of protein sequence and biophysical properties (such as structural, functional, and spatial information, amino acid conservation, physicochemical variation, residue mobility, and thermodynamic stability) performed at Invitae indicates that this missense variant is not expected to disrupt SNX14 protein function. ClinVar contains an entry for this variant (Variation ID: 2102080).